The following is an entry in ClinVar:

ClinVar aggregate classification (germline): Uncertain significance. Review status: criteria provided, multiple submitters, no conflicts (2 of 4 stars). 2 submissions from 2 submitters: Uncertain significance (2). Last evaluated 2023-11-13.

Conditions:
Perlman syndrome (PRLMNS). Identifiers: Orphanet 2849, MedGen C0796113, MONDO:0009965, OMIM 267000.

Allele frequency attached by ClinVar (database versions not stated): gnomAD exomes below 0.00001.
gnomAD v4.1: 2 of 1,608,112 alleles (0.00012%); highest among the groups gnomAD compares: South Asian, 0.0022%; no homozygotes.

Submissions (2):

Labcorp Genetics (formerly Invitae), Labcorp
Classification: Uncertain significance for Perlman syndrome. Last evaluated: 2023-11-13. Review status: criteria provided, single submitter. Criteria: Invitae Variant Classification Sherloc (09022015). Collection method: clinical testing. Allele origin: germline.
Comment: This sequence change replaces proline, which is neutral and non-polar, with serine, which is neutral and polar, at codon 767 of the DIS3L2 protein (p.Pro767Ser). The frequency data for this variant in the population databases is considered unreliable, as metrics indicate poor data quality at this position in the gnomAD database. This variant has not been reported in the literature in individuals affected with DIS3L2-related conditions. ClinVar contains an entry for this variant (Variation ID: 1709909). Advanced modeling of protein sequence and biophysical properties (such as structural, functional, and spatial information, amino acid conservation, physicochemical variation, residue mobility, and thermodynamic stability) performed at Invitae indicates that this missense variant is not expected to disrupt DIS3L2 protein function with a negative predictive value of 80%. In summary, the available evidence is currently insufficient to determine the role of this variant in disease. Therefore, it has been classified as a Variant of Uncertain Significance.

MGZ Medical Genetics Center
Classification: Uncertain significance for Perlman syndrome. Last evaluated: 2021-08-24. Review status: criteria provided, single submitter. Criteria: ACMG Guidelines, 2015. Collection method: clinical testing. Allele origin: germline. Affected: yes. Observed: 1 variant allele.
Comment: ACMG criteria applied: PM2_SUP

NM_152383.5(DIS3L2):c.2299C>T (p.Pro767Ser)

Gene: DIS3L2 (DIS3 like 3'-5' exoribonuclease 2; plus strand). Cytogenetic location: 2q37.1.
Variant type: single nucleotide variant.
Coding change: c.2299C>T on transcript NM_152383.5 (MANE Select); coding-DNA position 2299, C replaced by T.
Protein change: p.Pro767Ser; replaces proline 767 with serine.
Molecular consequence: missense variant. On other transcripts: non-coding transcript variant (2), intron variant (1).
Genome position (GRCh38, 1-based): chr2:232,334,640, C>T. VCF-style: chr2-232334640-C-T. GRCh37 (hg19) VCF-style: chr2-233199350-C-T.
Other names: c.1582-8705C>T (NM_001257281.2); short protein forms P767S.
Identifiers: ClinVar variation 1709909 (VCV001709909.5), dbSNP rs1292102739, ClinGen allele CA350977921.